The following is an entry in ClinVar:

NM_001286577.2(C2CD3):c.5781G>T (p.Arg1927Ser)

Genes: C2CD3 (C2 domain containing 3 centriole elongation regulator; minus strand), LOC126861262 (CDK7 strongly-dependent group 2 enhancer GRCh37_chr11:73747696-73748895; plus strand). Cytogenetic location: 11q13.4.
Variant type: single nucleotide variant.
Coding change: c.5781G>T on transcript NM_001286577.2 (MANE Select); coding-DNA position 5781, G replaced by T.
Protein change: p.Arg1927Ser; replaces arginine 1927 with serine.
Molecular consequence: missense variant.
Genome position (GRCh38, 1-based): chr11:74,037,578, C>A on the plus strand (G>T on the coding strand, the complement: C2CD3 is on the minus strand). VCF-style: chr11-74037578-C-A. GRCh37 (hg19) VCF-style: chr11-73748623-C-A.
Other names: c.5781G>T, p.Arg1927Ser (NM_015531.6); short protein forms R1927S.
Identifiers: ClinVar variation 1908587 (VCV001908587.5), dbSNP rs1252728779, ClinGen allele CA381822794.

ClinVar aggregate classification (germline): Uncertain significance (1 of 4 stars; one submission).

Allele frequency attached by ClinVar (database versions not stated): TOPMed 0.00001; gnomAD 0.00002.
gnomAD v4.1: 3 of 1,613,982 alleles (0.00019%); highest among the groups gnomAD compares: African/African-American, 0.004%; no homozygotes.

Submission:

Labcorp Genetics (formerly Invitae), Labcorp
Classification: Uncertain significance. Last evaluated: 2022-03-11. Review status: criteria provided, single submitter. Criteria: Invitae Variant Classification Sherloc (09022015). Collection method: clinical testing. Allele origin: germline.
Comment: This sequence change replaces arginine, which is basic and polar, with serine, which is neutral and polar, at codon 1927 of the C2CD3 protein (p.Arg1927Ser). This variant is present in population databases (no rsID available, gnomAD 0.007%). This variant has not been reported in the literature in individuals affected with C2CD3-related conditions. Algorithms developed to predict the effect of missense changes on protein structure and function (SIFT, PolyPhen-2, Align-GVGD) all suggest that this variant is likely to be tolerated. In summary, the available evidence is currently insufficient to determine the role of this variant in disease. Therefore, it has been classified as a Variant of Uncertain Significance.